The following is an entry in ClinVar:

NM_017849.4(TMEM127):c.145G>A (p.Ala49Thr)

Gene: TMEM127 (transmembrane protein 127; minus strand). Cytogenetic location: 2q11.2.
Variant type: single nucleotide variant.
Coding change: c.145G>A on transcript NM_017849.4 (MANE Select); coding-DNA position 145, G replaced by A.
Protein change: p.Ala49Thr; replaces alanine 49 with threonine.
Molecular consequence: missense variant.
Genome position (GRCh38, 1-based): chr2:96,265,237, C>T on the plus strand (G>A on the coding strand, the complement: TMEM127 is on the minus strand). VCF-style: chr2-96265237-C-T. GRCh37 (hg19) VCF-style: chr2-96930975-C-T.
Other names: c.145G>A, p.Ala49Thr (NM_001193304.3); short protein forms A49T.
Identifiers: ClinVar variation 532528 (VCV000532528.21), dbSNP rs577020327, ClinGen allele CA1777391.

ClinVar aggregate classification (germline): Uncertain significance. Review status: criteria provided, multiple submitters, no conflicts (2 of 4 stars). 6 submissions from 6 submitters: Uncertain significance (6). Last evaluated 2025-11-03.

Conditions:
Hereditary cancer-predisposing syndrome. Also called: Hereditary neoplastic syndrome; Hereditary Cancer Syndrome; Neoplastic Syndromes, Hereditary; Tumor predisposition. Identifiers: Orphanet 140162, MedGen C0027672, MeSH D009386, MONDO:0015356.
Hereditary pheochromocytoma and paraganglioma. Also called: Hereditary pheochromocytoma-paraganglioma; Hereditary Paraganglioma-Pheochromocytoma Syndromes; Hereditary paragangliomas and pheochromocytomas. Identifiers: Orphanet 29072, MedGen C4274332, MONDO:0017366.
TMEM127-related disorder. Also called: TMEM127-related condition.
Pheochromocytoma. Also called: MAX-Related Hereditary Paraganglioma-Pheochromocytoma Syndrome. Identifiers: Orphanet 29072, MedGen C0031511, MONDO:0008233, OMIM 171300, HP:0002666.

Allele frequency attached by ClinVar (database versions not stated): ExAC 0.00002; gnomAD 0.00003 and 0.00004; TOPMed 0.00011; 1000 Genomes Project 30x 0.00016; 1000 Genomes Project 0.00020.
gnomAD v4.1: 9 of 1,598,758 alleles (0.00056%); highest among the groups gnomAD compares: Admixed American, 0.012%; no homozygotes.

Submissions (6):

Labcorp Genetics (formerly Invitae), Labcorp
Classification: Uncertain significance for Hereditary pheochromocytoma and paraganglioma. Last evaluated: 2025-11-03. Review status: criteria provided, single submitter. Criteria: Invitae Variant Classification Sherloc (09022015). Collection method: clinical testing. Allele origin: germline.
Comment: This sequence change replaces alanine, which is neutral and non-polar, with threonine, which is neutral and polar, at codon 49 of the TMEM127 protein (p.Ala49Thr). The frequency data for this variant in the population databases is considered unreliable, as metrics indicate poor data quality at this position in the gnomAD database. This variant has not been reported in the literature in individuals affected with TMEM127-related conditions. ClinVar contains an entry for this variant (Variation ID: 532528). An algorithm developed to predict the effect of missense changes on protein structure and function (PolyPhen-2) suggests that this variant is likely to be disruptive. In summary, the available evidence is currently insufficient to determine the role of this variant in disease. Therefore, it has been classified as a Variant of Uncertain Significance.

PreventionGenetics, part of Exact Sciences
Classification: Uncertain significance for TMEM127-related condition. Last evaluated: 2025-08-20. Review status: criteria provided, single submitter. Criteria: ACMG Guidelines, 2015. Collection method: clinical testing. Allele origin: germline.
Comment: The TMEM127 c.145G>A variant is predicted to result in the amino acid substitution p.Ala49Thr. To our knowledge, this variant has not been reported in the literature. This variant is reported in 0.0060% of alleles in individuals of Latino descent in gnomAD and is interpreted as uncertain in ClinVar (Variation ID: 532528). At this time, the clinical significance of this variant is uncertain due to the absence of conclusive functional and genetic evidence.

Ambry Genetics
Classification: Uncertain significance for Hereditary cancer-predisposing syndrome. Last evaluated: 2024-10-09. Review status: criteria provided, single submitter. Criteria: Ambry Variant Classification Scheme 2023. Collection method: clinical testing. Allele origin: germline.

Quest Diagnostics Nichols Institute San Juan Capistrano
Classification: Uncertain significance. Last evaluated: 2024-08-14. Review status: criteria provided, single submitter. Criteria: Quest Diagnostics criteria. Collection method: clinical testing. Allele origin: unknown.
Comment: The TMEM127 c.145G>A (p.Ala49Thr) variant has not been reported in individuals with TMEM127-related conditions in the published literature. The frequency of this variant in the general population, 0.000008 (2/249216 chromosomes (Genome Aggregation Database)), is uninformative in the assessment of its pathogenicity. Analysis of this variant using bioinformatics tools for the prediction of the effect of amino acid changes on protein structure and function yielded conflicting predictions that this variant is benign or damaging. Additional analysis using software algorithms for the prediction of the effect of nucleotide changes on splicing yielded predictions that this variant may affect proper TMEM127 mRNA splicing. Based on the available information, we are unable to determine the clinical significance of this variant.

GeneDx
Classification: Uncertain significance. Last evaluated: 2024-07-09. Review status: criteria provided, single submitter. Criteria: GeneDx Variant Classification Process June 2021. Collection method: clinical testing. Allele origin: germline. Affected: yes.
Comment: Not observed at significant frequency in large population cohorts (gnomAD); In silico analysis indicates that this missense variant does not alter protein structure/function; Has not been previously published as pathogenic or benign to our knowledge

Baylor Genetics
Classification: Uncertain significance for Pheochromocytoma. Last evaluated: 2024-03-15. Review status: criteria provided, single submitter. Criteria: ACMG Guidelines, 2015. Collection method: clinical testing. Allele origin: unknown.